The following is an entry in ClinVar:

ClinVar aggregate classification (germline): Likely pathogenic (1 of 4 stars; one submission).

Conditions:
KBG syndrome (KBGS). Also called: ANKRD11-Related KBG Syndrome. Identifiers: Orphanet 2332, MedGen C0220687, MONDO:0007846, OMIM 148050.

Submission:

MGZ Medical Genetics Center
Classification: Likely pathogenic for KBG syndrome. Last evaluated: 2021-08-16. Review status: criteria provided, single submitter. Criteria: ACMG Guidelines, 2015. Collection method: clinical testing. Allele origin: germline. Affected: yes. Observed: 1 variant allele.
Comment: ACMG criteria applied: PVS1, PM2_SUP

NM_013275.6(ANKRD11):c.4634del (p.Pro1545fs)

Gene: ANKRD11 (ankyrin repeat domain 11; minus strand). Cytogenetic location: 16q24.3.
Variant type: Deletion.
Coding change: c.4634del on transcript NM_013275.6 (MANE Select); coding-DNA position 4634, one base deleted (C; older notation c.4634delC).
Protein change: p.Pro1545fs; shifts the reading frame from proline 1545.
Molecular consequence: frameshift variant.
Genome position (GRCh38, 1-based): chr16:89,281,908, G deleted on the plus strand (C on the coding strand, the reverse complement: ANKRD11 is on the minus strand); the first of 3 consecutive G bases (chr16:89,281,908-89,281,910); deleting any one gives the same sequence. VCF-style (leftmost placement, unchanged base first): chr16-89281907-TG-T. GRCh37 (hg19) VCF-style: chr16-89348315-TG-T.
Other names: c.4634del, p.Pro1545fs (NM_001256182.2, NM_001256183.2); short protein forms P1545fs.
Identifiers: ClinVar variation 1709973 (VCV001709973.2), dbSNP rs2034281644, ClinGen allele CA2580092254.